The following is an entry in ClinVar:

NM_004211.5(SLC6A5):c.139C>A (p.Pro47Thr)

Gene: SLC6A5 (solute carrier family 6 member 5; plus strand). Cytogenetic location: 11p15.1.
Variant type: single nucleotide variant.
Coding change: c.139C>A on transcript NM_004211.5 (MANE Select); coding-DNA position 139, C replaced by A.
Protein change: p.Pro47Thr; replaces proline 47 with threonine.
Molecular consequence: missense variant. On other transcripts: 5 prime UTR variant (1).
Genome position (GRCh38, 1-based): chr11:20,601,264, C>A. VCF-style: chr11-20601264-C-A. GRCh37 (hg19) VCF-style: chr11-20622810-C-A.
Other names: c.-425C>A (NM_001318369.2); short protein forms P47T.
Identifiers: ClinVar variation 1358653 (VCV001358653.8), dbSNP rs2133767839, ClinGen allele CA379910973.

ClinVar aggregate classification (germline): Uncertain significance (1 of 4 stars; one submission).

Conditions:
Hyperekplexia 3 (HKPX3). Also called: HYPEREKPLEXIA 3, AUTOSOMAL RECESSIVE; HYPEREKPLEXIA 3, AUTOSOMAL DOMINANT. Identifiers: Orphanet 3197, MedGen C3553288, MONDO:0013827, OMIM 614618.

Submission:

Labcorp Genetics (formerly Invitae), Labcorp
Classification: Uncertain significance for Hyperekplexia 3. Last evaluated: 2021-04-11. Review status: criteria provided, single submitter. Criteria: Invitae Variant Classification Sherloc (09022015). Collection method: clinical testing. Allele origin: germline.
Comment: Advanced modeling of protein sequence and biophysical properties (such as structural, functional, and spatial information, amino acid conservation, physicochemical variation, residue mobility, and thermodynamic stability) performed at Invitae indicates that this missense variant is not expected to disrupt SLC6A5 protein function. In summary, the available evidence is currently insufficient to determine the role of this variant in disease. Therefore, it has been classified as a Variant of Uncertain Significance. This variant has not been reported in the literature in individuals with SLC6A5-related conditions. This variant is not present in population databases (ExAC no frequency). This sequence change replaces proline with threonine at codon 47 of the SLC6A5 protein (p.Pro47Thr). The proline residue is weakly conserved and there is a small physicochemical difference between proline and threonine.